The following is an entry in ClinVar:

ClinVar aggregate classification (germline): Likely benign (1 of 4 stars; one submission).

Conditions:
APC-related disorder. Also called: APC-related condition.

gnomAD v4.1: 11 of 714,240 alleles (0.0015%); highest among the groups gnomAD compares: Non-Finnish European, 0.0019%; no homozygotes.

Submission:

PreventionGenetics, part of Exact Sciences
Classification: Likely benign for APC-related condition. Last evaluated: 2025-09-04. Review status: criteria provided, single submitter. Criteria: ACMG Guidelines, 2015. Collection method: clinical testing. Allele origin: germline.
Comment: This variant is classified as likely benign based on ACMG/AMP sequence variant interpretation guidelines (Richards et al. 2015 PMID: 25741868, with internal and published modifications).

NM_001127511.3(APC):c.166-28586T>G

Gene: APC (APC regulator of Wnt signaling pathway; plus strand). Cytogenetic location: 5q22.2.
Variant type: single nucleotide variant.
Coding change: c.166-28586T>G on transcript NM_001127511.3; 28586 bases into the intron before coding-DNA position 166, T replaced by G.
Molecular consequence: intron variant.
Genome position (GRCh38, 1-based): chr5:112,737,740, T>G. VCF-style: chr5-112737740-T-G. GRCh37 (hg19) VCF-style: chr5-112073437-T-G.
Other names: c.-18-17133T>G (NM_001407447.1, NM_001354895.2, NM_001407456.1 and 7 more transcripts); c.166-28586T>G (NM_001407446.1, NM_001354897.2, NM_001354902.2); c.-42-28586T>G (NM_001407453.1); c.-1053-17133T>G (NM_001407470.1, NM_001407472.1).
Identifiers: ClinVar variation 4982106 (VCV004982106.1).